The following is an entry in ClinVar:

ClinVar aggregate classification (germline): Uncertain significance (1 of 4 stars; one submission).

Conditions:
Primary ciliary dyskinesia. Also called: Ciliary dyskinesia. Identifiers: Orphanet 244, MedGen C0008780, MONDO:0016575, HP:0012265.

Allele frequency attached by ClinVar (database versions not stated): gnomAD exomes below 0.00001; gnomAD 0.00001.
gnomAD v4.1: 2 of 1,614,044 alleles (0.00012%); highest among the groups gnomAD compares: African/African-American, 0.0027%; no homozygotes.

Submission:

Ambry Genetics
Classification: Uncertain significance for Primary ciliary dyskinesia. Last evaluated: 2024-02-04. Review status: criteria provided, single submitter. Criteria: Ambry Variant Classification Scheme 2023. Collection method: clinical testing. Allele origin: germline.
Comment: The p.F521V variant (also known as c.1561T>G), located in coding exon 12 of the DNAAF3 gene, results from a T to G substitution at nucleotide position 1561. The phenylalanine at codon 521 is replaced by valine, an amino acid with highly similar properties. This amino acid position is conserved. In addition, this alteration is predicted to be tolerated by in silico analysis. Based on the available evidence, the clinical significance of this alteration remains unclear.

NM_001256715.2(DNAAF3):c.1360T>G (p.Phe454Val)

Genes: DNAAF3 (dynein axonemal assembly factor 3; minus strand), DNAAF3-AS1 (DNAAF3 antisense RNA 1; plus strand). Cytogenetic location: 19q13.42.
Variant type: single nucleotide variant.
Coding change: c.1360T>G on transcript NM_001256715.2 (MANE Select); coding-DNA position 1360, T replaced by G.
Protein change: p.Phe454Val; replaces phenylalanine 454 with valine.
Molecular consequence: missense variant.
Genome position (GRCh38, 1-based): chr19:55,159,328, A>C on the plus strand (T>G on the coding strand, the complement: DNAAF3 is on the minus strand). VCF-style: chr19-55159328-A-C. GRCh37 (hg19) VCF-style: chr19-55670696-A-C.
Other names: c.1561T>G, p.Phe521Val (NM_001256714.1); c.1198T>G, p.Phe400Val (NM_001256716.2); c.1501T>G, p.Phe501Val (NM_178837.4); short protein forms F400V, F454V, F501V, F521V.
Identifiers: ClinVar variation 3221475 (VCV003221475.1), dbSNP rs746688785, ClinGen allele CA9667795.
Genomic context (GRCh38, chr19:55,159,328, plus strand): 5'-GAGTTCCGGGTTCCACAGCTGGGACAGTGTTGCCCAGAGCTGATTCCTGGGACTTGCAGA[A>C]ACGTGCGAAGGTCTCTGAAGGCCTGGCCCCGGTCTGTGGAGCAAATCCAGCTGCCTGAGC-3'
Protein context (NP_001243644.1, residues 444-464): GARPSETFAR[Phe454Val]CKSQESALGN